The following is an entry in ClinVar:

NM_005273.4(GNB2):c.448C>T (p.Arg150Cys)

Gene: GNB2 (G protein subunit beta 2; plus strand). Cytogenetic location: 7q22.1.
Variant type: single nucleotide variant.
Coding change: c.448C>T on transcript NM_005273.4 (MANE Select); coding-DNA position 448, C replaced by T.
Protein change: p.Arg150Cys; replaces arginine 150 with cysteine.
Molecular consequence: missense variant.
Genome position (GRCh38, 1-based): chr7:100,677,769, C>T. VCF-style: chr7-100677769-C-T. GRCh37 (hg19) VCF-style: chr7-100275392-C-T.
Other names: short protein forms R150C.
Identifiers: ClinVar variation 2204349 (VCV002204349.2), dbSNP rs2486198604, ClinGen allele CA368516500.

ClinVar aggregate classification (germline): Uncertain significance (1 of 4 stars; one submission).

Conditions:
Inborn genetic diseases. Identifiers: MedGen C0950123, MeSH D030342.

Submission:

Ambry Genetics
Classification: Uncertain significance for Inborn genetic diseases. Last evaluated: 2022-02-25. Review status: criteria provided, single submitter. Criteria: Ambry Variant Classification Scheme 2023. Collection method: clinical testing. Allele origin: germline.
Comment: The c.448C>T (p.R150C) alteration is located in exon 7 (coding exon 6) of the GNB2 gene. This alteration results from a C to T substitution at nucleotide position 448, causing the arginine (R) at amino acid position 150 to be replaced by a cysteine (C). This variant was not reported in population-based cohorts in the Genome Aggregation Database (gnomAD). This amino acid position is highly conserved in available vertebrate species. This missense alteration is located in a region that has a low rate of benign missense variation (Lek, 2016; Firth, 2009). The in silico prediction for this alteration is inconclusive. Based on insufficient or conflicting evidence, the clinical significance of this alteration remains unclear.